The following is an entry in ClinVar:

ClinVar aggregate classification (germline): Uncertain significance. Review status: criteria provided, multiple submitters, no conflicts (2 of 4 stars). 2 submissions from 2 submitters: Uncertain significance (2). Last evaluated 2024-06-21.

Allele frequency attached by ClinVar (database versions not stated): gnomAD exomes 0.00001 and 0.00002; ExAC 0.00002.
gnomAD v4.1: 15 of 1,614,028 alleles (0.00093%); highest among the groups gnomAD compares: South Asian, 0.014%; no homozygotes.

Submissions (2):

Ambry Genetics
Classification: Uncertain significance. Last evaluated: 2024-06-21. Review status: criteria provided, single submitter. Criteria: Ambry Variant Classification Scheme 2023. Collection method: clinical testing. Allele origin: germline.
Comment: The p.Y179C variant (also known as c.536A>G), located in coding exon 6 of the FAM175A gene, results from an A to G substitution at nucleotide position 536. The tyrosine at codon 179 is replaced by cysteine, an amino acid with highly dissimilar properties. This amino acid position is conserved. In addition, this alteration is predicted to be deleterious by in silico analysis. Based on the available evidence, the clinical significance of this variant remains unclear.

Labcorp Genetics (formerly Invitae), Labcorp
Classification: Uncertain significance. Last evaluated: 2020-01-13. Review status: criteria provided, single submitter. Criteria: Invitae Variant Classification Sherloc (09022015). Collection method: clinical testing. Allele origin: germline.
Comment: In summary, the available evidence is currently insufficient to determine the role of this variant in disease. Therefore, it has been classified as a Variant of Uncertain Significance. Algorithms developed to predict the effect of missense changes on protein structure and function do not agree on the potential impact of this missense change (SIFT: "Deleterious"; PolyPhen-2: "Probably Damaging"; Align-GVGD: "Class C0"). This variant has not been reported in the literature in individuals with ABRAXAS1-related disease. This variant is present in population databases (rs774586693, ExAC 0.01%). This sequence change replaces tyrosine with cysteine at codon 179 of the FAM175A protein (p.Tyr179Cys). The tyrosine residue is highly conserved and there is a large physicochemical difference between tyrosine and cysteine.

NM_139076.3(ABRAXAS1):c.536A>G (p.Tyr179Cys)

Gene: ABRAXAS1 (abraxas 1, BRCA1 A complex subunit; minus strand). Cytogenetic location: 4q21.23.
Variant type: single nucleotide variant.
Coding change: c.536A>G on transcript NM_139076.3 (MANE Select); coding-DNA position 536, A replaced by G.
Protein change: p.Tyr179Cys; replaces tyrosine 179 with cysteine.
Molecular consequence: missense variant.
Genome position (GRCh38, 1-based): chr4:83,469,092, T>C on the plus strand (A>G on the coding strand, the complement: ABRAXAS1 is on the minus strand). VCF-style: chr4-83469092-T-C. GRCh37 (hg19) VCF-style: chr4-84390245-T-C.
Other names: c.536A>G (NM_139076.2); c.209A>G, p.Tyr70Cys (NM_001345962.2); short protein forms Y70C, Y179C.
Identifiers: ClinVar variation 1042512 (VCV001042512.9), dbSNP rs774586693, ClinGen allele CA2990523.